The following is an entry in ClinVar:

ClinVar aggregate classification (germline): Uncertain significance. Review status: criteria provided, multiple submitters, no conflicts (2 of 4 stars). 2 submissions from 2 submitters: Uncertain significance (2). Last evaluated 2026-07-07.

Conditions:
Hereditary breast ovarian cancer syndrome. Also called: Hereditary breast and ovarian cancer syndrome; Breast and ovarian cancer; Hereditary breast and/or ovarian cancer syndrome; Hereditary breast and ovarian cancer syndrome (HBOC); Hereditary breast and ovarian cancer; BRCA1- and BRCA2-Associated Hereditary Breast and Ovarian Cancer. Identifiers: Orphanet 145, MedGen C0677776, MeSH D061325, MONDO:0003582. Disease mechanism: loss of function.
Hereditary cancer-predisposing syndrome. Also called: Hereditary Cancer Syndrome; Hereditary neoplastic syndrome; Neoplastic Syndromes, Hereditary; Tumor predisposition. Identifiers: Orphanet 140162, MedGen C0027672, MeSH D009386, MONDO:0015356.

Submissions (2):

Ambry Genetics
Classification: Uncertain significance for Hereditary cancer-predisposing syndrome. Last evaluated: 2026-07-07. Review status: criteria provided, single submitter. Criteria: Ambry Variant Classification Scheme 2023. Collection method: clinical testing. Allele origin: germline.
Comment: The p.P2352R variant (also known as c.7055C>G), located in coding exon 13 of the BRCA2 gene, results from a C to G substitution at nucleotide position 7055. The proline at codon 2352 is replaced by arginine, an amino acid with dissimilar properties. This amino acid position is conserved. In addition, the in silico prediction for this alteration is inconclusive. Based on the available evidence, the clinical significance of this variant remains unclear.

Labcorp Genetics (formerly Invitae), Labcorp
Classification: Uncertain significance for Hereditary breast ovarian cancer syndrome. Last evaluated: 2025-04-17. Review status: criteria provided, single submitter. Criteria: Invitae Variant Classification Sherloc (09022015). Collection method: clinical testing. Allele origin: germline.
Comment: This sequence change replaces proline, which is neutral and non-polar, with arginine, which is basic and polar, at codon 2352 of the BRCA2 protein (p.Pro2352Arg). This variant is not present in population databases (gnomAD no frequency). This variant has not been reported in the literature in individuals affected with BRCA2-related conditions. Invitae Evidence Modeling of protein sequence and biophysical properties (such as structural, functional, and spatial information, amino acid conservation, physicochemical variation, residue mobility, and thermodynamic stability) indicates that this missense variant is not expected to disrupt BRCA2 protein function with a negative predictive value of 95%. In summary, the available evidence is currently insufficient to determine the role of this variant in disease. Therefore, it has been classified as a Variant of Uncertain Significance.

NM_000059.4(BRCA2):c.7055C>G (p.Pro2352Arg)

Gene: BRCA2 (BRCA2 DNA repair associated; plus strand). Cytogenetic location: 13q13.1.
Variant type: single nucleotide variant.
Coding change: c.7055C>G on transcript NM_000059.4 (MANE Select); coding-DNA position 7055, C replaced by G.
Protein change: p.Pro2352Arg; replaces proline 2352 with arginine.
Molecular consequence: missense variant. On other transcripts: non-coding transcript variant (1).
Genome position (GRCh38, 1-based): chr13:32,354,908, C>G. VCF-style: chr13-32354908-C-G. GRCh37 (hg19) VCF-style: chr13-32929045-C-G.
Other names: c.6959C>G, p.Pro2320Arg (NM_001406719.1); c.7055C>G, p.Pro2352Arg (NM_001406720.1, NM_001432077.1); c.2123C>G, p.Pro708Arg (NM_001406721.1); c.638C>G, p.Pro213Arg (NM_001406722.1); short protein forms P2352R, P708R, P2320R, P213R.
Identifiers: ClinVar variation 4745563 (VCV004745563.2).